The following is an entry in ClinVar:

ClinVar aggregate classification (germline): Benign/Likely benign. Review status: criteria provided, multiple submitters, no conflicts (2 of 4 stars). 7 submissions from 7 submitters: Benign (1); Likely benign (6). Last evaluated 2026-01-12.

Conditions:
PALB2-related cancer predisposition. Identifiers: MedGen CN377761, MONDO:0700272.
Familial cancer of breast. Also called: hereditary breast carcinoma; Hereditary breast cancer; BREAST CANCER, FAMILIAL. Identifiers: Orphanet 227535, MedGen C0346153, MONDO:0016419, OMIM 114480. Disease mechanism: loss of function.
Hereditary cancer-predisposing syndrome. Also called: Tumor predisposition; Hereditary neoplastic syndrome; Neoplastic Syndromes, Hereditary; Hereditary Cancer Syndrome. Identifiers: Orphanet 140162, MedGen C0027672, MeSH D009386, MONDO:0015356.

Allele frequency attached by ClinVar (database versions not stated): gnomAD exomes 0.00001; ExAC 0.00001; gnomAD 0.00001; TOPMed 0.00001.
gnomAD v4.1: 14 of 1,609,662 alleles (0.00087%); highest among the groups gnomAD compares: Admixed American, 0.0017%; no homozygotes.

Submissions (7):

Labcorp Genetics (formerly Invitae), Labcorp
Classification: Likely benign for Familial cancer of breast. Last evaluated: 2026-01-12. Review status: criteria provided, single submitter. Criteria: Invitae Variant Classification Sherloc (09022015). Collection method: clinical testing. Allele origin: germline.

Center for Genomic Medicine, Rigshospitalet, Copenhagen University Hospital
Classification: Likely benign. Last evaluated: 2025-03-04. Review status: criteria provided, single submitter. Criteria: ACMG Guidelines, 2015. Collection method: clinical testing. Allele origin: germline.

Myriad Genetics, Inc.
Classification: Benign for Familial cancer of breast. Last evaluated: 2025-01-17. Review status: criteria provided, single submitter. Criteria: Myriad Autosomal Dominant, Autosomal Recessive and X-Linked Classification Criteria (2023). Collection method: clinical testing. Allele origin: unknown.
Comment: This variant is considered benign. This variant is intronic and is not expected to impact mRNA splicing. This variant is strongly associated with less severe personal and family histories of cancer, typical for individuals without pathogenic variants in this gene [PMID: 25085752].

Department of Pathology and Laboratory Medicine, Sinai Health System
Classification: Likely benign for PALB2-related cancer predisposition. Last evaluated: 2023-01-06. Review status: criteria provided, single submitter. Criteria: ACMG Guidelines, 2015. Collection method: clinical testing. Allele origin: germline. Affected: no.

Sema4
Classification: Likely benign for Hereditary cancer-predisposing syndrome. Last evaluated: 2021-06-22. Review status: criteria provided, single submitter. Criteria: Sema4 Curation Guidelines. Collection method: curation. Allele origin: germline.

GeneDx
Classification: Likely benign. Last evaluated: 2020-08-14. Review status: criteria provided, single submitter. Criteria: GeneDx Variant Classification Process June 2021. Collection method: clinical testing. Allele origin: germline. Affected: yes.

Color Diagnostics, LLC DBA Color Health
Classification: Likely benign for Hereditary cancer-predisposing syndrome. Last evaluated: 2017-09-29. Review status: criteria provided, single submitter. Criteria: ACMG Guidelines, 2015. Collection method: clinical testing. Allele origin: germline.

Literature cited by the submitters: PubMed 25085752 (cited by Myriad Genetics, Inc.).

NM_024675.4(PALB2):c.2835-11A>G

Gene: PALB2 (partner and localizer of BRCA2; minus strand). Cytogenetic location: 16p12.2.
Variant type: single nucleotide variant.
Coding change: c.2835-11A>G on transcript NM_024675.4 (MANE Select); 11 bases into the intron before coding-DNA position 2835, A replaced by G.
Molecular consequence: intron variant.
Genome position (GRCh38, 1-based): chr16:23,623,141, T>C on the plus strand (A>G on the coding strand, the complement: PALB2 is on the minus strand). VCF-style: chr16-23623141-T-C. GRCh37 (hg19) VCF-style: chr16-23634462-T-C.
Identifiers: ClinVar variation 381771 (VCV000381771.54), dbSNP rs747232850, ClinGen allele CA7963466.